The following is an entry in ClinVar:

NM_032043.3(BRIP1):c.919-17T>C

Gene: BRIP1 (BRCA1 interacting DNA helicase 1; minus strand). Cytogenetic location: 17q23.2.
Variant type: single nucleotide variant.
Coding change: c.919-17T>C on transcript NM_032043.3 (MANE Select); 17 bases into the intron before coding-DNA position 919, T replaced by C.
Molecular consequence: intron variant.
Genome position (GRCh38, 1-based): chr17:61,801,491, A>G on the plus strand (T>C on the coding strand, the complement: BRIP1 is on the minus strand). VCF-style: chr17-61801491-A-G. GRCh37 (hg19) VCF-style: chr17-59878852-A-G.
Identifiers: ClinVar variation 1577073 (VCV001577073.10), dbSNP rs770416347, ClinGen allele CA8690826.
Genomic context (GRCh38, chr17:61,801,491, plus strand): 5'-TCACTAATTTTATGAACTCCATGATAAAAATAGCAGGATTTTCCCTAGAAACAAATATGC[A>G]TAACTGAAATGTGAACCAATATTAGCATAGAAGGAATAAAATAAGCTTATCTCAGAATTT-3'

ClinVar aggregate classification (germline): Likely benign. Review status: criteria provided, multiple submitters, no conflicts (2 of 4 stars). 2 submissions from 2 submitters: Likely benign (2). Last evaluated 2026-01-24.

Conditions:
Familial cancer of breast. Also called: Hereditary breast cancer; BREAST CANCER, FAMILIAL; hereditary breast carcinoma. Identifiers: Orphanet 227535, MedGen C0346153, MONDO:0016419, OMIM 114480. Disease mechanism: loss of function.
Fanconi anemia complementation group J. Also called: BRIP1-Related Fanconi Anemia. Identifiers: Orphanet 84, MedGen C1836860, MONDO:0012187, OMIM 609054.

Allele frequency attached by ClinVar (database versions not stated): gnomAD exomes below 0.00001 and 0.00001; TOPMed below 0.00001; ExAC 0.00001; gnomAD 0.00001.
gnomAD v4.1: 5 of 1,547,564 alleles (0.00032%); highest among the groups gnomAD compares: East Asian, 0.0022%; no homozygotes.

Submissions (2):

Labcorp Genetics (formerly Invitae), Labcorp
Classification: Likely benign for Familial cancer of breast; Fanconi anemia complementation group J. Last evaluated: 2026-01-24. Review status: criteria provided, single submitter. Criteria: Invitae Variant Classification Sherloc (09022015). Collection method: clinical testing. Allele origin: germline.

Myriad Genetics, Inc.
Classification: Likely benign for Familial cancer of breast. Last evaluated: 2024-08-22. Review status: criteria provided, single submitter. Criteria: Myriad Autosomal Dominant, Autosomal Recessive and X-Linked Classification Criteria (2023). Collection method: clinical testing. Allele origin: unknown.
Comment: This variant is considered likely benign. This variant is intronic and is not expected to impact mRNA splicing.